The following is an entry in ClinVar:

NM_001164277.2(SLC37A4):c.110C>A (p.Ser37Ter)

Gene: SLC37A4 (solute carrier family 37 member 4; minus strand). Cytogenetic location: 11q23.3.
Variant type: single nucleotide variant.
Coding change: c.110C>A on transcript NM_001164277.2 (MANE Select); coding-DNA position 110, C replaced by A.
Protein change: p.Ser37Ter; replaces serine 37 with a stop codon.
Molecular consequence: nonsense. On other transcripts: intron variant (1).
Genome position (GRCh38, 1-based): chr11:119,029,260, G>T on the plus strand (C>A on the coding strand, the complement: SLC37A4 is on the minus strand). VCF-style: chr11-119029260-G-T. GRCh37 (hg19) VCF-style: chr11-118899970-G-T.
Other names: c.110C>A, p.Ser37Ter (NM_001164278.2, NM_001164280.2, NM_001467.6); c.-172+132C>A (NM_001164279.2); short protein forms S37*.
Identifiers: ClinVar variation 488601 (VCV000488601.10), dbSNP rs1444468055, ClinGen allele CA382908291.
Genomic context (GRCh38, chr11:119,029,260, plus strand): 5'-ACCCTGCTGTTTCAGGGCTCACCCAAATCATCCTTGTCCAAAGGGATCTCTTCCACCAAT[G>T]ATGGCATGACAAAGGAGAAGGTCTTGCGATTGAAGTAATACAGGCTGTAGCCCCCAAACA-3'

ClinVar aggregate classification (germline): Pathogenic. Review status: criteria provided, multiple submitters, no conflicts (2 of 4 stars). 2 submissions from 2 submitters: Pathogenic (2). Last evaluated 2023-10-08.

Conditions:
Glucose-6-phosphate transport defect (GSD1B). Also called: Glycogen Storage Disease Type Ib; GSD Ib. Identifiers: Orphanet 364, Orphanet 79259, MedGen C0268146, MONDO:0009288, OMIM 232220.

Allele frequency attached by ClinVar (database versions not stated): gnomAD exomes 0.00001.

Submissions (2):

Labcorp Genetics (formerly Invitae), Labcorp
Classification: Pathogenic for Glucose-6-phosphate transport defect. Last evaluated: 2023-10-08. Review status: criteria provided, single submitter. Criteria: Invitae Variant Classification Sherloc (09022015). Collection method: clinical testing. Allele origin: germline.
Comment: This sequence change creates a premature translational stop signal (p.Ser37*) in the SLC37A4 gene. It is expected to result in an absent or disrupted protein product. Loss-of-function variants in SLC37A4 are known to be pathogenic (PMID: 9758626, 10940311). This variant is present in population databases (no rsID available, gnomAD 0.003%). This variant has not been reported in the literature in individuals affected with SLC37A4-related conditions. ClinVar contains an entry for this variant (Variation ID: 488601). Algorithms developed to predict the effect of sequence changes on RNA splicing suggest that this variant may create or strengthen a splice site. For these reasons, this variant has been classified as Pathogenic.

Institute of Human Genetics Munich, TUM University Hospital
Classification: Pathogenic for Glucose-6-phosphate transport defect. Last evaluated: 2017-11-20. Review status: criteria provided, single submitter. Criteria: Classification criteria August 2017. Collection method: clinical testing. Allele origin: germline. Inheritance: Autosomal recessive inheritance. Affected: yes. Observed: 1 compound heterozygote.

Literature cited by the submitters: PubMed 9758626 (cited by Labcorp Genetics (formerly Invitae), Labcorp); PubMed 10940311 (cited by Labcorp Genetics (formerly Invitae), Labcorp).